The following is an entry in ClinVar:

ClinVar aggregate classification (germline): Uncertain significance. Review status: criteria provided, multiple submitters, no conflicts (2 of 4 stars). 2 submissions from 2 submitters: Uncertain significance (2). Last evaluated 2025-03-26.

gnomAD v4.1: 7 of 1,614,092 alleles (0.00043%); highest among the groups gnomAD compares: East Asian, 0.0022%; no homozygotes.

Submissions (2):

Ambry Genetics
Classification: Uncertain significance. Last evaluated: 2025-03-26. Review status: criteria provided, single submitter. Criteria: Ambry Variant Classification Scheme 2023. Collection method: clinical testing. Allele origin: germline.

Labcorp Genetics (formerly Invitae), Labcorp
Classification: Uncertain significance. Last evaluated: 2024-07-21. Review status: criteria provided, single submitter. Criteria: Invitae Variant Classification Sherloc (09022015). Collection method: clinical testing. Allele origin: germline.
Comment: This sequence change replaces aspartic acid, which is acidic and polar, with asparagine, which is neutral and polar, at codon 499 of the HYOU1 protein (p.Asp499Asn). This variant is present in population databases (no rsID available, gnomAD 0.0009%). This variant has not been reported in the literature in individuals affected with HYOU1-related conditions. An algorithm developed to predict the effect of missense changes on protein structure and function (PolyPhen-2) suggests that this variant is likely to be disruptive. In summary, the available evidence is currently insufficient to determine the role of this variant in disease. Therefore, it has been classified as a Variant of Uncertain Significance.

NM_006389.5(HYOU1):c.1495G>A (p.Asp499Asn)

Gene: HYOU1 (hypoxia up-regulated 1; minus strand). Cytogenetic location: 11q23.3.
Variant type: single nucleotide variant.
Coding change: c.1495G>A on transcript NM_006389.5 (MANE Select); coding-DNA position 1495, G replaced by A.
Protein change: p.Asp499Asn; replaces aspartic acid 499 with asparagine.
Molecular consequence: missense variant.
Genome position (GRCh38, 1-based): chr11:119,051,469, C>T on the plus strand (G>A on the coding strand, the complement: HYOU1 is on the minus strand). VCF-style: chr11-119051469-C-T. GRCh37 (hg19) VCF-style: chr11-118922181-C-T.
Other names: c.1495G>A (NM_006389.3); c.1495G>A, p.Asp499Asn (NM_001130991.3, NM_001411041.1); short protein forms D499N.
Identifiers: ClinVar variation 3625380 (VCV003625380.3).